The following is an entry in ClinVar:

ClinVar aggregate classification (germline): Uncertain significance (1 of 4 stars; one submission).

Conditions:
Osteogenesis imperfecta type 8 (OI8). Identifiers: MedGen C1970458, MONDO:0012581, OMIM 610915.

Allele frequency attached by ClinVar (database versions not stated): gnomAD exomes below 0.00001 and 0.00001; gnomAD 0.00001; TOPMed 0.00001.
gnomAD v4.1: 16 of 1,614,062 alleles (0.00099%); highest among the groups gnomAD compares: Middle Eastern, 0.016%; no homozygotes.

Submission:

Labcorp Genetics (formerly Invitae), Labcorp
Classification: Uncertain significance for Osteogenesis imperfecta type 8. Last evaluated: 2022-09-13. Review status: criteria provided, single submitter. Criteria: Invitae Variant Classification Sherloc (09022015). Collection method: clinical testing. Allele origin: germline.
Comment: This sequence change replaces tyrosine, which is neutral and polar, with cysteine, which is neutral and slightly polar, at codon 250 of the P3H1 protein (p.Tyr250Cys). This variant is present in population databases (no rsID available, gnomAD 0.004%). This variant has not been reported in the literature in individuals affected with P3H1-related conditions. ClinVar contains an entry for this variant (Variation ID: 1383907). Advanced modeling of protein sequence and biophysical properties (such as structural, functional, and spatial information, amino acid conservation, physicochemical variation, residue mobility, and thermodynamic stability) performed at Invitae indicates that this missense variant is expected to disrupt P3H1 protein function. Algorithms developed to predict the effect of sequence changes on RNA splicing suggest that this variant may create or strengthen a splice site. In summary, the available evidence is currently insufficient to determine the role of this variant in disease. Therefore, it has been classified as a Variant of Uncertain Significance.

NM_022356.4(P3H1):c.749A>G (p.Tyr250Cys)

Gene: P3H1 (prolyl 3-hydroxylase 1; minus strand). Cytogenetic location: 1p34.2.
Variant type: single nucleotide variant.
Coding change: c.749A>G on transcript NM_022356.4 (MANE Select); coding-DNA position 749, A replaced by G.
Protein change: p.Tyr250Cys; replaces tyrosine 250 with cysteine.
Molecular consequence: missense variant.
Genome position (GRCh38, 1-based): chr1:42,759,260, T>C on the plus strand (A>G on the coding strand, the complement: P3H1 is on the minus strand). VCF-style: chr1-42759260-T-C. GRCh37 (hg19) VCF-style: chr1-43224931-T-C.
Other names: c.749A>G, p.Tyr250Cys (NM_001146289.2, NM_001243246.2); short protein forms Y250C.
Identifiers: ClinVar variation 1383907 (VCV001383907.3), dbSNP rs1250740001, ClinGen allele CA339959808.
Genomic context (GRCh38, chr1:42,759,260, plus strand): 5'-CCTGTGATGGCCTGGAAGAGGTCAGCGTTGTACTCAAGGTAGTTGTAGCCATCGTAGTCA[T>C]AGGGCCCTTCGCAGAGGGCACGGCACTCCTCATAGGCCACAAAGTATTCTTGCAGCGCCG-3'
Protein context (NP_071751.3, residues 240-260): EECRALCEGP[Tyr250Cys]DYDGYNYLEY